The following is an entry in ClinVar:

NM_018129.4(PNPO):c.720T>G (p.Asp240Glu)

Gene: PNPO (pyridoxamine 5'-phosphate oxidase; plus strand). Cytogenetic location: 17q21.32.
Variant type: single nucleotide variant.
Coding change: c.720T>G on transcript NM_018129.4 (MANE Select); coding-DNA position 720, T replaced by G.
Protein change: p.Asp240Glu; replaces aspartic acid 240 with glutamic acid.
Molecular consequence: missense variant.
Genome position (GRCh38, 1-based): chr17:47,946,716, T>G. VCF-style: chr17-47946716-T-G. GRCh37 (hg19) VCF-style: chr17-46024082-T-G.
Other names: short protein forms D240E.
Identifiers: ClinVar variation 1007867 (VCV001007867.25), dbSNP rs886937123, ClinGen allele CA291297207.

ClinVar aggregate classification (germline): Uncertain significance. Review status: criteria provided, multiple submitters, no conflicts (2 of 4 stars). 2 submissions from 2 submitters: Uncertain significance (2). Last evaluated 2024-01-01.

Conditions:
Pyridoxal phosphate-responsive seizures (PNPOD). Also called: Pyridoxal 5'-Phosphate (PLP)-Dependent Epilepsy; Pyridoxamine 5-Prime-Phosphate Oxidase Deficiency; EPILEPTIC ENCEPHALOPATHY, NEONATAL, PNPO-RELATED; SEIZURES, PYRIDOXINE-RESISTANT, PLP-SENSITIVE; Pyridoxine-5'-phosphate oxidase deficiency. Identifiers: Orphanet 79096, MedGen C1864723, MONDO:0012407, OMIM 610090. Disease mechanism: loss of function.

Allele frequency attached by ClinVar (database versions not stated): gnomAD exomes 0.00001; TOPMed 0.00002.
gnomAD v4.1: 19 of 1,614,016 alleles (0.0012%); highest among the groups gnomAD compares: Non-Finnish European, 0.0016%; no homozygotes.

Submissions (2):

CeGaT Center for Human Genetics Tuebingen
Classification: Uncertain significance. Last evaluated: 2024-01-01. Review status: criteria provided, single submitter. Criteria: CeGaT Center For Human Genetics Tuebingen Variant Classification Criteria Version 2. Collection method: clinical testing. Allele origin: germline. Affected: yes. Observed: 1 variant allele.
Comment: PNPO: PM2, BP4

Labcorp Genetics (formerly Invitae), Labcorp
Classification: Uncertain significance for Pyridoxal phosphate-responsive seizures. Last evaluated: 2022-08-16. Review status: criteria provided, single submitter. Criteria: Invitae Variant Classification Sherloc (09022015). Collection method: clinical testing. Allele origin: germline.
Comment: This sequence change replaces aspartic acid, which is acidic and polar, with glutamic acid, which is acidic and polar, at codon 240 of the PNPO protein (p.Asp240Glu). This variant is present in population databases (no rsID available, gnomAD 0.0009%). This variant has not been reported in the literature in individuals affected with PNPO-related conditions. ClinVar contains an entry for this variant (Variation ID: 1007867). Algorithms developed to predict the effect of missense changes on protein structure and function output the following: SIFT: "Tolerated"; PolyPhen-2: "Benign"; Align-GVGD: "Class C0". The glutamic acid amino acid residue is found in multiple mammalian species, which suggests that this missense change does not adversely affect protein function. In summary, the available evidence is currently insufficient to determine the role of this variant in disease. Therefore, it has been classified as a Variant of Uncertain Significance.